The following is an entry in ClinVar:

NM_080911.3(UNG):c.265A>G (p.Asn89Asp)

Gene: UNG (uracil DNA glycosylase; plus strand). Cytogenetic location: 12q24.11.
Variant type: single nucleotide variant.
Coding change: c.265A>G on transcript NM_080911.3 (MANE Select); coding-DNA position 265, A replaced by G.
Protein change: p.Asn89Asp; replaces asparagine 89 with aspartic acid.
Molecular consequence: missense variant.
Genome position (GRCh38, 1-based): chr12:109,098,564, A>G. VCF-style: chr12-109098564-A-G. GRCh37 (hg19) VCF-style: chr12-109536369-A-G.
Other names: c.238A>G, p.Asn80Asp (NM_003362.4); short protein forms N89D, N80D.
Identifiers: ClinVar variation 532544 (VCV000532544.8), dbSNP rs201031933, ClinGen allele CA6772542.

ClinVar aggregate classification (germline): Uncertain significance (1 of 4 stars; one submission).

Conditions:
Hyper-IgM syndrome type 5 (HIGM5). Also called: Hyper-IgM Immunodeficiency Syndrome, Type 5. Identifiers: Orphanet 101092, MedGen C1720958, MONDO:0011971, OMIM 608106.

Allele frequency attached by ClinVar (database versions not stated): gnomAD exomes 0.00004 and 0.00009; ExAC 0.00009; gnomAD 0.00009 and 0.00010; TOPMed 0.00013; 1000 Genomes Project 0.00080; 1000 Genomes Project 30x 0.00094.
gnomAD v4.1: 83 of 1,613,336 alleles (0.0051%); highest among the groups gnomAD compares: Admixed American, 0.037%; no homozygotes.

Submission:

Labcorp Genetics (formerly Invitae), Labcorp
Classification: Uncertain significance for Hyper-IgM syndrome type 5. Last evaluated: 2025-12-16. Review status: criteria provided, single submitter. Criteria: Invitae Variant Classification Sherloc (09022015). Collection method: clinical testing. Allele origin: germline.
Comment: This sequence change replaces asparagine, which is neutral and polar, with aspartic acid, which is acidic and polar, at codon 89 of the UNG protein (p.Asn89Asp). This variant is present in population databases (rs201031933, gnomAD 0.04%). This variant has not been reported in the literature in individuals affected with UNG-related conditions. ClinVar contains an entry for this variant (Variation ID: 532544). An algorithm developed to predict the effect of missense changes on protein structure and function (PolyPhen-2) suggests that this variant is likely to be tolerated. In summary, the available evidence is currently insufficient to determine the role of this variant in disease. Therefore, it has been classified as a Variant of Uncertain Significance.